The following is an entry in ClinVar:

ClinVar aggregate classification (germline): Uncertain significance (1 of 4 stars; one submission).

Allele frequency attached by ClinVar (database versions not stated): gnomAD exomes below 0.00001.
gnomAD v4.1: 2 of 1,614,188 alleles (0.00012%); highest among the groups gnomAD compares: Admixed American, 0.0033%; no homozygotes.

Submission:

Labcorp Genetics (formerly Invitae), Labcorp
Classification: Uncertain significance. Last evaluated: 2022-03-26. Review status: criteria provided, single submitter. Criteria: Invitae Variant Classification Sherloc (09022015). Collection method: clinical testing. Allele origin: germline.
Comment: In summary, the available evidence is currently insufficient to determine the role of this variant in disease. Therefore, it has been classified as a Variant of Uncertain Significance. Algorithms developed to predict the effect of missense changes on protein structure and function output the following: SIFT: "Not Available"; PolyPhen-2: "Benign"; Align-GVGD: "Not Available". The aspartic acid amino acid residue is found in multiple mammalian species, which suggests that this missense change does not adversely affect protein function. This variant has not been reported in the literature in individuals affected with LCT-related conditions. This variant is present in population databases (no rsID available, gnomAD 0.006%). This sequence change replaces alanine, which is neutral and non-polar, with aspartic acid, which is acidic and polar, at codon 518 of the LCT protein (p.Ala518Asp).

NM_002299.4(LCT):c.1553C>A (p.Ala518Asp)

Genes: LCT (lactase; minus strand), LOC126806353 (BRD4-independent group 4 enhancer GRCh37_chr2:136574960-136576159; plus strand). Cytogenetic location: 2q21.3.
Variant type: single nucleotide variant.
Coding change: c.1553C>A on transcript NM_002299.4 (MANE Select); coding-DNA position 1553, C replaced by A.
Protein change: p.Ala518Asp; replaces alanine 518 with aspartic acid.
Molecular consequence: missense variant.
Genome position (GRCh38, 1-based): chr2:135,817,495, G>T on the plus strand (C>A on the coding strand, the complement: LCT is on the minus strand). VCF-style: chr2-135817495-G-T. GRCh37 (hg19) VCF-style: chr2-136575065-G-T.
Other names: short protein forms A518D.
Identifiers: ClinVar variation 1933663 (VCV001933663.5), dbSNP rs1209995067, ClinGen allele CA348605909.
Genomic context (GRCh38, chr2:135,817,495, plus strand): 5'-ACCCACAGCTTCACACGGTCCCCAAATGTGGAGAAGCAGAAGGCCGCATAGTCCAGGAAG[G>T]CATCCACCACGCTCTCATTCTGCCATCCACCATGATCCTGCAGGGCCTGAGGCAGGTCCC-3'
Protein context (NP_002290.2, residues 508-528): GGWQNESVVD[Ala518Asp]FLDYAAFCFS